The following is an entry in ClinVar:

ClinVar aggregate classification (germline): Conflicting classifications of pathogenicity. Review status: criteria provided, conflicting classifications (1 of 4 stars). 4 submissions from 4 submitters: Uncertain significance (1); Benign (1); Likely benign (2). Last evaluated 2025-12-23.

Conditions:
DNAAF5-related disorder. Also called: DNAAF5-related condition.
Primary ciliary dyskinesia 18. Also called: CILIARY DYSKINESIA, PRIMARY, 18, WITH OR WITHOUT SITUS INVERSUS. Identifiers: Orphanet 244, MedGen C3543825, MONDO:0013940, OMIM 614874.
Primary ciliary dyskinesia. Also called: Ciliary dyskinesia. Identifiers: Orphanet 244, MedGen C0008780, MONDO:0016575, HP:0012265.

Allele frequency attached by ClinVar (database versions not stated): gnomAD 0.00003; TOPMed 0.00063.
gnomAD v4.1: 198 of 1,611,780 alleles (0.012%); highest among the groups gnomAD compares: Admixed American, 0.33%; 3 homozygotes.

Submissions (4):

Labcorp Genetics (formerly Invitae), Labcorp
Classification: Benign for Primary ciliary dyskinesia. Last evaluated: 2025-12-23. Review status: criteria provided, single submitter. Criteria: Invitae Variant Classification Sherloc (09022015). Collection method: clinical testing. Allele origin: germline.

PreventionGenetics, part of Exact Sciences
Classification: Likely benign for DNAAF5-related condition. Last evaluated: 2025-02-12. Review status: criteria provided, single submitter. Criteria: ACMG Guidelines, 2015. Collection method: clinical testing. Allele origin: germline.
Comment: This variant is classified as likely benign based on ACMG/AMP sequence variant interpretation guidelines (Richards et al. 2015 PMID: 25741868, with internal and published modifications).

Ambry Genetics
Classification: Likely benign for Primary ciliary dyskinesia. Last evaluated: 2024-01-17. Review status: criteria provided, single submitter. Criteria: Ambry Variant Classification Scheme 2023. Collection method: clinical testing. Allele origin: germline.

ARUP Laboratories, Molecular Genetics and Genomics, ARUP Laboratories
Classification: Uncertain significance for Primary ciliary dyskinesia 18. Last evaluated: 2023-08-30. Review status: criteria provided, single submitter. Criteria: ARUP Molecular Germline Variant Investigation Process 2024. Collection method: clinical testing. Allele origin: germline.
Comment: The DNAAF5 c.2024C>T; p.Thr675Met variant (rs757110526) to our knowledge, is not reported in the medical literature but is reported in ClinVar (Variation ID: 410295). This variant is observed in the Latino/Admixed American population with an allele frequency of 0.2% (77/35,218 alleles, including 2 homozygotes) in the Genome Aggregation Database. Computational analyses are uncertain whether this variant is deleterious or neutral (REVEL: 0.426). Due to limited information, the clinical significance of this variant is uncertain at this time.

NM_017802.4(DNAAF5):c.2024C>T (p.Thr675Met)

Gene: DNAAF5 (dynein axonemal assembly factor 5; plus strand). Cytogenetic location: 7p22.3.
Variant type: single nucleotide variant.
Coding change: c.2024C>T on transcript NM_017802.4 (MANE Select); coding-DNA position 2024, C replaced by T.
Protein change: p.Thr675Met; replaces threonine 675 with methionine.
Molecular consequence: missense variant. On other transcripts: non-coding transcript variant (1).
Genome position (GRCh38, 1-based): chr7:774,140, C>T. VCF-style: chr7-774140-C-T. GRCh37 (hg19) VCF-style: chr7-813777-C-T.
Other names: short protein forms T675M.
Identifiers: ClinVar variation 410295 (VCV000410295.15), dbSNP rs757110526, ClinGen allele CA4111042.